The following is an entry in ClinVar:

ClinVar aggregate classification (germline): Uncertain significance (1 of 4 stars; one submission).

Conditions:
Hereditary cancer-predisposing syndrome. Also called: Neoplastic Syndromes, Hereditary; Tumor predisposition; Hereditary neoplastic syndrome; Hereditary Cancer Syndrome. Identifiers: Orphanet 140162, MedGen C0027672, MeSH D009386, MONDO:0015356.

gnomAD v4.1: 1 of 1,602,350 alleles (0.000062%); highest among the groups gnomAD compares: Non-Finnish European, 0.000085%; no homozygotes.

Submission:

Ambry Genetics
Classification: Uncertain significance for Hereditary cancer-predisposing syndrome. Last evaluated: 2026-07-07. Review status: criteria provided, single submitter. Criteria: Ambry Variant Classification Scheme 2023. Collection method: clinical testing. Allele origin: germline.
Comment: The p.P279A variant (also known as c.835C>G), located in coding exon 2 of the AXIN2 gene, results from a C to G substitution at nucleotide position 835. The proline at codon 279 is replaced by alanine, an amino acid with highly similar properties. This amino acid position is conserved. In addition, this alteration is predicted to be tolerated by in silico analysis. Based on the available evidence, the clinical significance of this variant remains unclear.

NM_004655.4(AXIN2):c.835C>G (p.Pro279Ala)

Gene: AXIN2 (axin 2; minus strand). Cytogenetic location: 17q24.1.
Variant type: single nucleotide variant.
Coding change: c.835C>G on transcript NM_004655.4 (MANE Select); coding-DNA position 835, C replaced by G.
Protein change: p.Pro279Ala; replaces proline 279 with alanine.
Molecular consequence: missense variant.
Genome position (GRCh38, 1-based): chr17:65,549,641, G>C on the plus strand (C>G on the coding strand, the complement: AXIN2 is on the minus strand). VCF-style: chr17-65549641-G-C. GRCh37 (hg19) VCF-style: chr17-63545759-G-C.
Other names: c.835C>G, p.Pro279Ala (NM_001363813.1); short protein forms P279A.
Identifiers: ClinVar variation 5032586 (VCV005032586.1).
Genomic context (GRCh38, chr17:65,549,641, plus strand): 5'-CGTTGGCGCTGGTGGCTGGTGCAAAGACATAGCCAGAACCTATGTGATAAGGATTAACAG[G>C]ATCGCTCCTCTTGAAGGACCTATGGGCAAAGTACAAAAGTGGTTCAGTCACTGACCCTCA-3'
Protein context (NP_004646.3, residues 269-289): SGYRSFKRSD[Pro279Ala]VNPYHIGSGY